The following is an entry in ClinVar:

NM_001378454.1(ALMS1):c.5553C>G (p.Tyr1851Ter)

Gene: ALMS1 (ALMS1 centrosome and basal body associated protein; plus strand). Cytogenetic location: 2p13.1.
Variant type: single nucleotide variant.
Coding change: c.5553C>G on transcript NM_001378454.1 (MANE Select); coding-DNA position 5553, C replaced by G.
Protein change: p.Tyr1851Ter; replaces tyrosine 1851 with a stop codon.
Molecular consequence: nonsense.
Genome position (GRCh38, 1-based): chr2:73,452,080, C>G. VCF-style: chr2-73452080-C-G. GRCh37 (hg19) VCF-style: chr2-73679207-C-G.
Other names: c.5556C>G, p.Tyr1852Ter (NM_015120.4); short protein forms Y1851*, Y1852*.
Identifiers: ClinVar variation 4739771 (VCV004739771.1).
Genomic context (GRCh38, chr2:73,452,080, plus strand): 5'-AAGAGTTCCTGGACCAGCTGACCAGAAGACTGGAATAAACATCCTGCCCTCTAATTCCTA[C>G]CCACAGAGAGAGCACTCTGTCATTTCTTATGAGCAGGAGTTGCCAGATCTTACTGAAGTA-3'

ClinVar aggregate classification (germline): Pathogenic (1 of 4 stars; one submission).

Conditions:
Alstrom syndrome (ALMS). Identifiers: Orphanet 64, MedGen C0268425, MONDO:0008763, OMIM 203800.

gnomAD v4.1: 1 of 1,613,886 alleles (0.000062%); highest among the groups gnomAD compares: Non-Finnish European, 0.000085%; no homozygotes.

Submission:

Labcorp Genetics (formerly Invitae), Labcorp
Classification: Pathogenic for Alstrom syndrome. Last evaluated: 2025-06-02. Review status: criteria provided, single submitter. Criteria: Invitae Variant Classification Sherloc (09022015). Collection method: clinical testing. Allele origin: germline.
Comment: This sequence change creates a premature translational stop signal (p.Tyr1852*) in the ALMS1 gene. It is expected to result in an absent or disrupted protein product. Loss-of-function variants in ALMS1 are known to be pathogenic (PMID: 17594715). This variant is not present in population databases (gnomAD no frequency). This variant has not been reported in the literature in individuals affected with ALMS1-related conditions. For these reasons, this variant has been classified as Pathogenic.

Literature cited by the submitters: PubMed 17594715.